The following is an entry in ClinVar:

ClinVar aggregate classification (germline): Uncertain significance. Review status: criteria provided, multiple submitters, no conflicts (2 of 4 stars). 2 submissions from 2 submitters: Uncertain significance (2). Last evaluated 2024-05-08.

Conditions:
Glomerulopathy with fibronectin deposits 2 (GFND2). Identifiers: Orphanet 84090, MedGen C1866075, MONDO:0011165, OMIM 601894.
Spondylometaphyseal dysplasia - Sutcliffe type. Also called: Spondylometaphyseal Dysplasia, Corner Fracture Type; Sutcliffe type of spondylometaphyseal dysplasia; Sutcliffe SMD; Spondylometaphyseal dysplasia, 'corner fracture' type. Identifiers: Orphanet 93315, MedGen C0432221, MONDO:0008479, OMIM 184255.

Allele frequency attached by ClinVar (database versions not stated): ExAC 0.00001; gnomAD 0.00001; gnomAD exomes 0.00001; 1000 Genomes Project 30x 0.00016; 1000 Genomes Project 0.00020.
gnomAD v4.1: 4 of 1,614,144 alleles (0.00025%); highest among the groups gnomAD compares: East Asian, 0.0067%; no homozygotes.

Submissions (2):

Fulgent Genetics
Classification: Uncertain significance for Spondylometaphyseal dysplasia - Sutcliffe type; Glomerulopathy with fibronectin deposits 2. Last evaluated: 2024-05-08. Review status: criteria provided, single submitter. Criteria: ACMG Guidelines, 2015. Collection method: clinical testing. Allele origin: germline.

Labcorp Genetics (formerly Invitae), Labcorp
Classification: Uncertain significance. Last evaluated: 2022-12-31. Review status: criteria provided, single submitter. Criteria: Invitae Variant Classification Sherloc (09022015). Collection method: clinical testing. Allele origin: germline.
Comment: This sequence change replaces alanine, which is neutral and non-polar, with threonine, which is neutral and polar, at codon 128 of the FN1 protein (p.Ala128Thr). This variant is present in population databases (rs144931123, gnomAD 0.01%). This variant has not been reported in the literature in individuals affected with FN1-related conditions. Advanced modeling of protein sequence and biophysical properties (such as structural, functional, and spatial information, amino acid conservation, physicochemical variation, residue mobility, and thermodynamic stability) performed at Invitae indicates that this missense variant is not expected to disrupt FN1 protein function. In summary, the available evidence is currently insufficient to determine the role of this variant in disease. Therefore, it has been classified as a Variant of Uncertain Significance.

NM_212482.4(FN1):c.382G>A (p.Ala128Thr)

Gene: FN1 (fibronectin 1; minus strand). Cytogenetic location: 2q35.
Variant type: single nucleotide variant.
Coding change: c.382G>A on transcript NM_212482.4 (MANE Select); coding-DNA position 382, G replaced by A.
Protein change: p.Ala128Thr; replaces alanine 128 with threonine.
Molecular consequence: missense variant.
Genome position (GRCh38, 1-based): chr2:215,433,357, C>T on the plus strand (G>A on the coding strand, the complement: FN1 is on the minus strand). VCF-style: chr2-215433357-C-T. GRCh37 (hg19) VCF-style: chr2-216298080-C-T.
Other names: c.382G>A, p.Ala128Thr (NM_001365522.2, NM_001365523.2, NM_001365524.2 and 14 more transcripts); short protein forms A128T.
Identifiers: ClinVar variation 2998039 (VCV002998039.4), dbSNP rs144931123, ClinGen allele CA2095590.
Genomic context (GRCh38, chr2:215,433,357, plus strand): 5'-CATCATTTTACACAATCTCTTCCTTACTTGCGATGGTACAGCTTATTCTCCCTCGCCCAG[C>T]CCCGATGCAGGTACAGTCCCAGATCATGGAGTCTTTAGGACGCTCATAAGTGTCACCCAC-3'
Protein context (NP_997647.2, residues 118-138): SMIWDCTCIG[Ala128Thr]GRGRISCTIA